The following is an entry in ClinVar:

ClinVar aggregate classification (germline): Uncertain significance. Review status: criteria provided, multiple submitters, no conflicts (2 of 4 stars). 3 submissions from 3 submitters: Uncertain significance (3). Last evaluated 2025-03-09.

Conditions:
Hereditary cancer-predisposing syndrome. Also called: Hereditary Cancer Syndrome; Tumor predisposition; Neoplastic Syndromes, Hereditary; Hereditary neoplastic syndrome. Identifiers: Orphanet 140162, MedGen C0027672, MeSH D009386, MONDO:0015356.

Allele frequency attached by ClinVar (database versions not stated): gnomAD 0.00001; TOPMed 0.00002.

Submissions (3):

Labcorp Genetics (formerly Invitae), Labcorp
Classification: Uncertain significance. Last evaluated: 2025-03-09. Review status: criteria provided, single submitter. Criteria: Invitae Variant Classification Sherloc (09022015). Collection method: clinical testing. Allele origin: germline.
Comment: This sequence change replaces leucine, which is neutral and non-polar, with valine, which is neutral and non-polar, at codon 460 of the CTNNA1 protein (p.Leu460Val). This variant is present in population databases (no rsID available, gnomAD 0.01%). This variant has not been reported in the literature in individuals affected with CTNNA1-related conditions. ClinVar contains an entry for this variant (Variation ID: 936677). Invitae Evidence Modeling of protein sequence and biophysical properties (such as structural, functional, and spatial information, amino acid conservation, physicochemical variation, residue mobility, and thermodynamic stability) indicates that this missense variant is not expected to disrupt CTNNA1 protein function with a negative predictive value of 80%. In summary, the available evidence is currently insufficient to determine the role of this variant in disease. Therefore, it has been classified as a Variant of Uncertain Significance.

GeneDx
Classification: Uncertain significance. Last evaluated: 2024-04-11. Review status: criteria provided, single submitter. Criteria: GeneDx Variant Classification Process June 2021. Collection method: clinical testing. Allele origin: germline.
Comment: Not observed at significant frequency in large population cohorts (gnomAD); In silico analysis supports that this missense variant has a deleterious effect on protein structure/function; Has not been previously published as pathogenic or benign to our knowledge; This variant is associated with the following publications: (PMID: 30405107)

Ambry Genetics
Classification: Uncertain significance for Hereditary cancer-predisposing syndrome. Last evaluated: 2024-02-16. Review status: criteria provided, single submitter. Criteria: Ambry Variant Classification Scheme 2023. Collection method: clinical testing. Allele origin: germline.
Comment: The p.L460V variant (also known as c.1378C>G), located in coding exon 9 of the CTNNA1 gene, results from a C to G substitution at nucleotide position 1378. The leucine at codon 460 is replaced by valine, an amino acid with highly similar properties. This amino acid position is conserved. In addition, this alteration is predicted to be deleterious by in silico analysis. Since supporting evidence is limited at this time, the clinical significance of this alteration remains unclear.

NM_001903.5(CTNNA1):c.1378C>G (p.Leu460Val)

Gene: CTNNA1 (catenin alpha 1; plus strand). Cytogenetic location: 5q31.2.
Variant type: single nucleotide variant.
Coding change: c.1378C>G on transcript NM_001903.5 (MANE Select); coding-DNA position 1378, C replaced by G.
Protein change: p.Leu460Val; replaces leucine 460 with valine.
Molecular consequence: missense variant. On other transcripts: 5 prime UTR variant (4), intron variant (3).
Genome position (GRCh38, 1-based): chr5:138,904,430, C>G. VCF-style: chr5-138904430-C-G. GRCh37 (hg19) VCF-style: chr5-138240119-C-G.
Other names: c.268C>G, p.Leu90Val (NM_001323996.1, NM_001323997.1, NM_001323998.1 and 17 more transcripts); c.1378C>G, p.Leu460Val (NM_001290307.3, NM_001323982.2, NM_001323983.1 and 2 more transcripts); c.1069C>G, p.Leu357Val (NM_001290309.3); c.1009C>G, p.Leu337Val (NM_001290310.3); c.-130C>G (NM_001324006.1, NM_001324007.1, NM_001324008.1 and 1 more transcripts); c.25C>G, p.Leu9Val (NM_001324012.1, NM_001324013.1); c.1297-13312C>G (NM_001323986.2); c.187-13312C>G (NM_001324011.1); and 1 more; short protein forms L460V, L337V, L357V, L9V, L90V.
Identifiers: ClinVar variation 936677 (VCV000936677.14), dbSNP rs1338186632, ClinGen allele CA361136034.
Genomic context (GRCh38, chr5:138,904,430, plus strand): 5'-ATCTCAAATAATGAAGAAGGTGTAAAGCTTGTTCGAATGTCTGCAAGCCAGTTAGAAGCC[C>G]TCTGTCCTCAGGTAAAGTACAACTGACACTGGTGACAGCATAACCAAATTAAATTTTGAT-3'
Protein context (NP_001894.2, residues 450-470): VRMSASQLEA[Leu460Val]CPQVINAALA